The following is an entry in ClinVar:

ClinVar aggregate classification (germline): Likely pathogenic (1 of 4 stars; one submission).

Conditions:
COL4A1-related disorder. Also called: COL4A1-related condition; COL4A1-related disorders. Identifiers: MedGen CN376119, MONDO:0800461.

Submission:

Greenwood Genetic Center Diagnostic Laboratories, Greenwood Genetic Center
Classification: Likely pathogenic for COL4A1-related disorder. Last evaluated: 2025-11-16. Review status: criteria provided, single submitter. Criteria: ACMG Guidelines, 2015. Collection method: clinical testing. Allele origin: germline. Affected: yes.
Comment: PVS1, PM2

NM_001845.6(COL4A1):c.2324del (p.Pro775fs)

Gene: COL4A1 (collagen type IV alpha 1 chain; minus strand). Cytogenetic location: 13q34.
Variant type: Deletion.
Coding change: c.2324del on transcript NM_001845.6 (MANE Select); coding-DNA position 2324, one base deleted (C; older notation c.2324delC).
Protein change: p.Pro775fs; shifts the reading frame from proline 775.
Molecular consequence: frameshift variant.
Genome position (GRCh38, 1-based): chr13:110,179,291, G deleted on the plus strand (C on the coding strand, the reverse complement: COL4A1 is on the minus strand); the first of 5 consecutive G bases (chr13:110,179,291-110,179,295); deleting any one gives the same sequence. VCF-style (leftmost placement, unchanged base first): chr13-110179290-AG-A. GRCh37 (hg19) VCF-style: chr13-110831637-AG-A.
Other names: short protein forms P775fs.
Identifiers: ClinVar variation 4845462 (VCV004845462.1).